The following is an entry in ClinVar:

ClinVar aggregate classification (germline): Pathogenic/Likely pathogenic. Review status: criteria provided, multiple submitters, no conflicts (2 of 4 stars). 2 submissions from 2 submitters: Pathogenic (1); Likely pathogenic (1). Last evaluated 2023-05-08.

Conditions:
Severe early-childhood-onset retinal dystrophy (STGD1). Also called: STGD; Stargardt macular dystrophy; Juvenile onset macular degeneration; Stargardt disease 1; MACULAR DYSTROPHY WITH FLECKS, TYPE 1. Identifiers: Orphanet 364055, Orphanet 827, MedGen C1855465, MeSH D000080362, MONDO:0009549, OMIM 248200.

Allele frequency attached by ClinVar (database versions not stated): gnomAD exomes below 0.00001.
gnomAD v4.1: 1 of 1,614,050 alleles (0.000062%); highest among the groups gnomAD compares: Non-Finnish European, 0.000085%; no homozygotes.

Submissions (2):

Labcorp Genetics (formerly Invitae), Labcorp
Classification: Pathogenic. Last evaluated: 2023-05-08. Review status: criteria provided, single submitter. Criteria: Invitae Variant Classification Sherloc (09022015). Collection method: clinical testing. Allele origin: germline.
Comment: This sequence change replaces glutamic acid, which is acidic and polar, with glycine, which is neutral and non-polar, at codon 1271 of the ABCA4 protein (p.Glu1271Gly). This variant is not present in population databases (gnomAD no frequency). For these reasons, this variant has been classified as Pathogenic. This variant disrupts the p.Glu1271 amino acid residue in ABCA4. Other variant(s) that disrupt this residue have been determined to be pathogenic (PMID: 30060493). This suggests that this residue is clinically significant, and that variants that disrupt this residue are likely to be disease-causing. Studies have shown that this missense change alters mRNA splicing and is expected to lead to the loss of protein expression (PMID: 29162642). An algorithm developed to predict the effect of missense changes on protein structure and function (PolyPhen-2) suggests that this variant is likely to be disruptive. ClinVar contains an entry for this variant (Variation ID: 959438). This missense change has been observed in individual(s) with clinical features of ABCA4-related conditions and/or clinical features of Stargardt disease (PMID: 29854428).

Laboratory of Medical Genetics, National & Kapodistrian University of Athens
Classification: Likely pathogenic for Severe early-childhood-onset retinal dystrophy. Last evaluated: 2023-01-19. Review status: criteria provided, single submitter. Criteria: ACMG Guidelines, 2015. Collection method: clinical testing. Allele origin: germline. Affected: yes.
Comment: PS4, PM2, PP3, PP5

Literature cited by the submitters: PubMed 30060493 (cited by Labcorp Genetics (formerly Invitae), Labcorp); PubMed 29162642 (cited by Labcorp Genetics (formerly Invitae), Labcorp); PubMed 29854428 (cited by Labcorp Genetics (formerly Invitae), Labcorp).

NM_000350.3(ABCA4):c.3812A>G (p.Glu1271Gly)

Genes: ABCA4 (ATP binding cassette subfamily A member 4; minus strand), LOC126805794 (BRD4-independent group 4 enhancer GRCh37_chr1:94502188-94503387; plus strand). Cytogenetic location: 1p22.1.
Variant type: single nucleotide variant.
Coding change: c.3812A>G on transcript NM_000350.3 (MANE Select); coding-DNA position 3812, A replaced by G.
Protein change: p.Glu1271Gly; replaces glutamic acid 1271 with glycine.
Molecular consequence: missense variant.
Genome position (GRCh38, 1-based): chr1:94,037,146, T>C on the plus strand (A>G on the coding strand, the complement: ABCA4 is on the minus strand). VCF-style: chr1-94037146-T-C. GRCh37 (hg19) VCF-style: chr1-94502702-T-C.
Other names: c.3590A>G, p.Glu1197Gly (NM_001425324.1); short protein forms E1271G, E1197G.
Identifiers: ClinVar variation 959438 (VCV000959438.11), dbSNP rs1660360744, ClinGen allele CA341288631.